The following is an entry in ClinVar:

ClinVar aggregate classification (germline): Uncertain significance (1 of 4 stars; one submission).

gnomAD v4.1: 3 of 1,613,428 alleles (0.00019%); highest among the groups gnomAD compares: East Asian, 0.0045%; no homozygotes.

Submission:

Women's Health and Genetics/Laboratory Corporation of America, LabCorp
Classification: Uncertain significance. Last evaluated: 2025-02-24. Review status: criteria provided, single submitter. Criteria: LabCorp Variant Classification Summary - May 2015. Collection method: clinical testing. Allele origin: germline.
Comment: Variant summary: ITGB4 c.2291T>C (p.Leu764Pro) results in a non-conservative amino acid change in the encoded protein sequence. Five of five in-silico tools predict a damaging effect of the variant on protein function. The variant allele was found at a frequency of 1.2e-05 in 250596 control chromosomes. The available data on variant occurrences in the general population are insufficient to allow any conclusion about variant significance. c.2291T>C has been reported in the literature in individuals affected with Junctional Epidermolysis Bullosa (Chen2022). These data do not allow any conclusion about variant significance. To our knowledge, no experimental evidence demonstrating an impact on protein function has been reported. The following publication have been ascertained in the context of this evaluation (PMID: 36287101). No submitters have cited clinical-significance assessments for this variant to ClinVar. Based on the evidence outlined above, the variant was classified as uncertain significance.

Literature cited by the submitters: PubMed 36287101.

NM_000213.5(ITGB4):c.2291T>C (p.Leu764Pro)

Gene: ITGB4 (integrin subunit beta 4; plus strand). Cytogenetic location: 17q25.1.
Variant type: single nucleotide variant.
Coding change: c.2291T>C on transcript NM_000213.5 (MANE Select); coding-DNA position 2291, T replaced by C.
Protein change: p.Leu764Pro; replaces leucine 764 with proline.
Molecular consequence: missense variant.
Genome position (GRCh38, 1-based): chr17:75,739,916, T>C. VCF-style: chr17-75739916-T-C. GRCh37 (hg19) VCF-style: chr17-73735997-T-C.
Other names: c.2291T>C, p.Leu764Pro (NM_001005619.2, NM_001005731.3, NM_001321123.2); short protein forms L764P.
Identifiers: ClinVar variation 3768857 (VCV003768857.1).